The following is an entry in ClinVar:

ClinVar aggregate classification (germline): Pathogenic (1 of 4 stars; one submission).

Allele frequency attached by ClinVar (database versions not stated): ExAC 0.00001; gnomAD exomes 0.00001 and 0.00004; TOPMed 0.00001.

Submission:

GeneDx
Classification: Pathogenic. Last evaluated: 2020-08-18. Review status: criteria provided, single submitter. Criteria: GeneDx Variant Classification Process June 2021. Collection method: clinical testing. Allele origin: germline. Affected: yes.
Comment: Not observed at a significant frequency in large population cohorts (Lek et al., 2016); Nonsense variant predicted to result in protein truncation or nonsense mediated decay in a gene for which loss-of-function is a known mechanism of disease; This variant is associated with the following publications: (PMID: 30285085)

NM_020745.4(AARS2):c.1008dup (p.Asp337Ter)

Gene: AARS2 (alanyl-tRNA synthetase 2, mitochondrial; minus strand). Cytogenetic location: 6p21.1.
Variant type: Duplication.
Coding change: c.1008dup on transcript NM_020745.4 (MANE Select); coding-DNA position 1008, one base duplicated (T; older notation c.1008dupT).
Protein change: p.Asp337Ter; replaces aspartic acid 337 with a stop codon.
Molecular consequence: nonsense.
Genome position (GRCh38, 1-based): chr6:44,307,281, A duplicated on the plus strand (T on the coding strand, the reverse complement: AARS2 is on the minus strand). VCF-style (leftmost placement, unchanged base first): chr6-44307280-C-CA. GRCh37 (hg19) VCF-style: chr6-44275017-C-CA.
Other names: c.1008dupT (NM_020745.2); short protein forms D337*.
Identifiers: ClinVar variation 213970 (VCV000213970.5), dbSNP rs766771165, ClinGen allele CA324285.